The following is an entry in ClinVar:

ClinVar aggregate classification (germline): Uncertain significance (1 of 4 stars; one submission).

Conditions:
Neuroblastoma, susceptibility to, 3. Also called: ALK-Related Neuroblastic Tumor Susceptibility. Identifiers: Orphanet 635, MedGen C2751681, MONDO:0013083, OMIM 613014.

Submission:

Labcorp Genetics (formerly Invitae), Labcorp
Classification: Uncertain significance for Neuroblastoma, susceptibility to, 3. Last evaluated: 2021-01-24. Review status: criteria provided, single submitter. Criteria: Invitae Variant Classification Sherloc (09022015). Collection method: clinical testing. Allele origin: germline.
Comment: This sequence change replaces serine with arginine at codon 468 of the ALK protein (p.Ser468Arg). The serine residue is weakly conserved and there is a moderate physicochemical difference between serine and arginine. In summary, the available evidence is currently insufficient to determine the role of this variant in disease. Therefore, it has been classified as a Variant of Uncertain Significance. Algorithms developed to predict the effect of missense changes on protein structure and function are either unavailable or do not agree on the potential impact of this missense change (SIFT: "Deleterious"; PolyPhen-2: "Benign"; Align-GVGD: "Class C0"). This variant has not been reported in the literature in individuals with ALK-related conditions. This variant is not present in population databases (ExAC no frequency).

NM_004304.5(ALK):c.1404C>A (p.Ser468Arg)

Gene: ALK (ALK receptor tyrosine kinase; minus strand). Cytogenetic location: 2p23.2.
Variant type: single nucleotide variant.
Coding change: c.1404C>A on transcript NM_004304.5 (MANE Select); coding-DNA position 1404, C replaced by A.
Protein change: p.Ser468Arg; replaces serine 468 with arginine.
Molecular consequence: missense variant.
Genome position (GRCh38, 1-based): chr2:29,328,360, G>T on the plus strand (C>A on the coding strand, the complement: ALK is on the minus strand). VCF-style: chr2-29328360-G-T. GRCh37 (hg19) VCF-style: chr2-29551226-G-T.
Other names: short protein forms S468R.
Identifiers: ClinVar variation 1518406 (VCV001518406.8), dbSNP rs1667337590, ClinGen allele CA346474103.